The following is an entry in ClinVar:

ClinVar aggregate classification (germline): Uncertain significance (1 of 4 stars; one submission).

gnomAD v4.1: 5 of 1,613,802 alleles (0.00031%); highest among the groups gnomAD compares: African/African-American, 0.0067%; no homozygotes.

Submission:

Ambry Genetics
Classification: Uncertain significance. Last evaluated: 2026-07-01. Review status: criteria provided, single submitter. Criteria: Ambry Variant Classification Scheme 2023. Collection method: clinical testing. Allele origin: germline.
Comment: The p.P1102H variant (also known as c.3305C>A), located in coding exon 7 of the PEG3 gene, results from a C to A substitution at nucleotide position 3305. The proline at codon 1102 is replaced by histidine, an amino acid with similar properties. This amino acid position is conserved. In addition, this alteration is predicted to be tolerated by in silico analysis. Based on the available evidence, the clinical significance of this variant remains unclear.

NM_006210.3(PEG3):c.3305C>A (p.Pro1102His)

Genes: PEG3 (paternally expressed 3; minus strand), ZIM2 (zinc finger imprinted 2; minus strand). Cytogenetic location: 19q13.43.
Variant type: single nucleotide variant.
Coding change: c.3305C>A on transcript NM_006210.3 (MANE Select); coding-DNA position 3305, C replaced by A.
Protein change: p.Pro1102His; replaces proline 1102 with histidine.
Molecular consequence: missense variant. On other transcripts: intron variant (11).
Genome position (GRCh38, 1-based): chr19:56,815,137, G>T on the plus strand (C>A on the coding strand, the complement: PEG3 is on the minus strand). VCF-style: chr19-56815137-G-T. GRCh37 (hg19) VCF-style: chr19-57326505-G-T.
Other names: c.3311C>A, p.Pro1104His (NM_001369718.1, NM_001369717.1); c.3218C>A, p.Pro1073His (NM_001369719.1); c.2933C>A, p.Pro978His (NM_001369720.1, NM_001369721.1, NM_001369722.1 and 13 more transcripts); c.2840C>A, p.Pro947His (NM_001369737.1, NM_001369738.1, NM_001369735.1 and 2 more transcripts); c.397+3463C>A (NM_015363.5, NM_001387358.1, NM_001146326.2 and 5 more transcripts); c.490+2609C>A (NM_001369774.1, NM_001369773.1, NM_001387356.1); c.3305C>A, p.Pro1102His (NM_001146184.2); c.2927C>A, p.Pro976His (NM_001146185.2); short protein forms P1104H, P978H, P947H, P1073H, P976H, P1102H.
Identifiers: ClinVar variation 5026471 (VCV005026471.1).